The following is an entry in ClinVar:

ClinVar aggregate classification (germline): Benign (1 of 4 stars; one submission).

Conditions:
Familial cancer of breast. Also called: BREAST CANCER, FAMILIAL; Hereditary breast cancer; hereditary breast carcinoma. Identifiers: Orphanet 227535, MedGen C0346153, MONDO:0016419, OMIM 114480. Disease mechanism: loss of function.

Allele frequency attached by ClinVar (database versions not stated): gnomAD exomes below 0.00001.
gnomAD v4.1: 1 of 1,614,102 alleles (0.000062%); highest among the groups gnomAD compares: Non-Finnish European, 0.000085%; no homozygotes.

Submission:

Myriad Genetics, Inc.
Classification: Benign for Familial cancer of breast. Last evaluated: 2024-05-15. Review status: criteria provided, single submitter. Criteria: Myriad Autosomal Dominant, Autosomal Recessive and X-Linked Classification Criteria (2023). Collection method: clinical testing. Allele origin: unknown.
Comment: This variant is considered benign. This variant is a silent/synonymous amino acid change and it is not expected to impact splicing.

NM_000051.4(ATM):c.3852A>G (p.Thr1284=)

Gene: ATM (ATM serine/threonine kinase; plus strand). Cytogenetic location: 11q22.3.
Variant type: single nucleotide variant.
Coding change: c.3852A>G on transcript NM_000051.4 (MANE Select); coding-DNA position 3852, A replaced by G.
Protein change: p.Thr1284=; no amino-acid change (threonine 1284 retained).
Molecular consequence: synonymous variant.
Genome position (GRCh38, 1-based): chr11:108,284,332, A>G. VCF-style: chr11-108284332-A-G. GRCh37 (hg19) VCF-style: chr11-108155059-A-G.
Other names: c.3852A>G, p.Thr1284= (NM_001351834.2).
Identifiers: ClinVar variation 3254456 (VCV003254456.1), dbSNP rs2135706813.